The following is an entry in ClinVar:

ClinVar aggregate classification (germline): Uncertain significance (1 of 4 stars; one submission).

Conditions:
Myopathy, proximal, and ophthalmoplegia (CMYO6). Also called: INCLUSION BODY MYOPATHY 3, AUTOSOMAL DOMINANT; CONGENITAL MYOPATHY 6 WITH OPHTHALMOPLEGIA; MYOPATHY WITH CONGENITAL JOINT CONTRACTURES, OPHTHALMOPLEGIA, AND RIMMED VACUOLES. Identifiers: Orphanet 363677, Orphanet 79091, MedGen C1854106, MONDO:0011577, OMIM 605637.

Submission:

Labcorp Genetics (formerly Invitae), Labcorp
Classification: Uncertain significance for Myopathy, proximal, and ophthalmoplegia. Last evaluated: 2023-04-08. Review status: criteria provided, single submitter. Criteria: Invitae Variant Classification Sherloc (09022015). Collection method: clinical testing. Allele origin: germline.
Comment: This sequence change falls in intron 4 of the MYH2 gene. It does not directly change the encoded amino acid sequence of the MYH2 protein. It affects a nucleotide within the consensus splice site. This variant is not present in population databases (gnomAD no frequency). This variant has not been reported in the literature in individuals affected with MYH2-related conditions. Variants that disrupt the consensus splice site are a relatively common cause of aberrant splicing (PMID: 17576681, 9536098). Algorithms developed to predict the effect of sequence changes on RNA splicing suggest that this variant is not likely to affect RNA splicing. In summary, the available evidence is currently insufficient to determine the role of this variant in disease. Therefore, it has been classified as a Variant of Uncertain Significance.

Literature cited by the submitters: PubMed 17576681; PubMed 9536098.

NM_017534.6(MYH2):c.349-3T>C

Genes: MYH2 (myosin heavy chain 2; minus strand), MYHAS (myosin heavy chain gene cluster antisense RNA; plus strand). Cytogenetic location: 17p13.1.
Variant type: single nucleotide variant.
Coding change: c.349-3T>C on transcript NM_017534.6 (MANE Select); 3 bases into the intron before coding-DNA position 349, T replaced by C.
Molecular consequence: intron variant.
Genome position (GRCh38, 1-based): chr17:10,545,505, A>G on the plus strand (T>C on the coding strand, the complement: MYH2 is on the minus strand). VCF-style: chr17-10545505-A-G. GRCh37 (hg19) VCF-style: chr17-10448822-A-G.
Other names: c.349-3T>C (NM_001100112.2).
Identifiers: ClinVar variation 2809229 (VCV002809229.3), dbSNP rs2508474331, ClinGen allele CA2636120165.